The following is an entry in ClinVar:

NM_006899.5(IDH3B):c.1048A>G (p.Lys350Glu)

Gene: IDH3B (isocitrate dehydrogenase (NAD(+)) 3 non-catalytic subunit beta; minus strand). Cytogenetic location: 20p13.
Variant type: single nucleotide variant.
Coding change: c.1048A>G on transcript NM_006899.5 (MANE Select); coding-DNA position 1048, A replaced by G.
Protein change: p.Lys350Glu; replaces lysine 350 with glutamic acid.
Molecular consequence: missense variant. On other transcripts: non-coding transcript variant (1).
Genome position (GRCh38, 1-based): chr20:2,659,548, T>C on the plus strand (A>G on the coding strand, the complement: IDH3B is on the minus strand). VCF-style: chr20-2659548-T-C. GRCh37 (hg19) VCF-style: chr20-2640194-T-C.
Other names: c.1048A>G, p.Lys350Glu (NM_001258384.3, NM_001330763.2, NM_174855.4); short protein forms K350E.
Identifiers: ClinVar variation 1384552 (VCV001384552.8), dbSNP rs1239855984, ClinGen allele CA408033726.

ClinVar aggregate classification (germline): Uncertain significance (1 of 4 stars; one submission).

Allele frequency attached by ClinVar (database versions not stated): gnomAD exomes below 0.00001; TOPMed 0.00001.

Submission:

Labcorp Genetics (formerly Invitae), Labcorp
Classification: Uncertain significance. Last evaluated: 2024-11-11. Review status: criteria provided, single submitter. Criteria: Invitae Variant Classification Sherloc (09022015). Collection method: clinical testing. Allele origin: germline.
Comment: This sequence change replaces lysine, which is basic and polar, with glutamic acid, which is acidic and polar, at codon 350 of the IDH3B protein (p.Lys350Glu). This variant is present in population databases (no rsID available, gnomAD 0.003%). This variant has not been reported in the literature in individuals affected with IDH3B-related conditions. ClinVar contains an entry for this variant (Variation ID: 1384552). Invitae Evidence Modeling of protein sequence and biophysical properties (such as structural, functional, and spatial information, amino acid conservation, physicochemical variation, residue mobility, and thermodynamic stability) indicates that this missense variant is not expected to disrupt IDH3B protein function with a negative predictive value of 80%. In summary, the available evidence is currently insufficient to determine the role of this variant in disease. Therefore, it has been classified as a Variant of Uncertain Significance.